The following is an entry in ClinVar:

ClinVar aggregate classification (germline): Uncertain significance. Review status: criteria provided, multiple submitters, no conflicts (2 of 4 stars). 2 submissions from 2 submitters: Uncertain significance (2). Last evaluated 2021-12-18.

Conditions:
Cardiovascular phenotype. Identifiers: MedGen CN230736.
DK1-congenital disorder of glycosylation. Also called: CONGENITAL DISORDER OF GLYCOSYLATION, TYPE Im; CDG Im; DOLK-congenital disorder of glycosylation; Carbohydrate deficient glycoprotein syndrome type 1m; DK1-CDG; DK1 DEFICIENCY. Identifiers: Orphanet 91131, MedGen C1835849, MONDO:0012556, OMIM 610768.

Allele frequency attached by ClinVar (database versions not stated): TOPMed 0.00002.

Submissions (2):

Labcorp Genetics (formerly Invitae), Labcorp
Classification: Uncertain significance for DK1-congenital disorder of glycosylation. Last evaluated: 2021-12-18. Review status: criteria provided, single submitter. Criteria: Invitae Variant Classification Sherloc (09022015). Collection method: clinical testing. Allele origin: germline.
Comment: This sequence change replaces proline, which is neutral and non-polar, with threonine, which is neutral and polar, at codon 105 of the DOLK protein (p.Pro105Thr). This variant is present in population databases (no rsID available, gnomAD 0.01%). This variant has not been reported in the literature in individuals affected with DOLK-related conditions. ClinVar contains an entry for this variant (Variation ID: 665102). Algorithms developed to predict the effect of missense changes on protein structure and function (SIFT, PolyPhen-2, Align-GVGD) all suggest that this variant is likely to be tolerated. In summary, the available evidence is currently insufficient to determine the role of this variant in disease. Therefore, it has been classified as a Variant of Uncertain Significance.

Ambry Genetics
Classification: Uncertain significance for Cardiovascular phenotype. Last evaluated: 2020-09-01. Review status: criteria provided, single submitter. Criteria: Ambry Variant Classification Scheme 2023. Collection method: clinical testing. Allele origin: germline.
Comment: The p.P105T variant (also known as c.313C>A), located in coding exon 1 of the DOLK gene, results from a C to A substitution at nucleotide position 313. The proline at codon 105 is replaced by threonine, an amino acid with highly similar properties. This amino acid position is poorly conserved in available vertebrate species. In addition, this alteration is predicted to be tolerated by in silico analysis. Since supporting evidence is limited at this time, the clinical significance of this alteration remains unclear.

NM_014908.4(DOLK):c.313C>A (p.Pro105Thr)

Gene: DOLK (dolichol kinase; minus strand). Cytogenetic location: 9q34.11.
Variant type: single nucleotide variant.
Coding change: c.313C>A on transcript NM_014908.4 (MANE Select); coding-DNA position 313, C replaced by A.
Protein change: p.Pro105Thr; replaces proline 105 with threonine.
Molecular consequence: missense variant.
Genome position (GRCh38, 1-based): chr9:128,946,991, G>T on the plus strand (C>A on the coding strand, the complement: DOLK is on the minus strand). VCF-style: chr9-128946991-G-T. GRCh37 (hg19) VCF-style: chr9-131709270-G-T.
Other names: short protein forms P105T.
Identifiers: ClinVar variation 665102 (VCV000665102.6), dbSNP rs1454594732, ClinGen allele CA375126700.